The following is an entry in ClinVar:

NM_000718.4(CACNA1B):c.607G>C (p.Val203Leu)

Gene: CACNA1B (calcium voltage-gated channel subunit alpha1 B; plus strand). Cytogenetic location: 9q34.3.
Variant type: single nucleotide variant.
Coding change: c.607G>C on transcript NM_000718.4 (MANE Select); coding-DNA position 607, G replaced by C.
Protein change: p.Val203Leu; replaces valine 203 with leucine.
Molecular consequence: missense variant.
Genome position (GRCh38, 1-based): chr9:137,913,256, G>C. VCF-style: chr9-137913256-G-C. GRCh37 (hg19) VCF-style: chr9-140807708-G-C.
Other names: c.607G>C, p.Val203Leu (NM_001243812.2); short protein forms V203L.
Identifiers: ClinVar variation 2130760 (VCV002130760.4), dbSNP rs2539140863, ClinGen allele CA375803381.

ClinVar aggregate classification (germline): Uncertain significance (1 of 4 stars; one submission).

Submission:

Labcorp Genetics (formerly Invitae), Labcorp
Classification: Uncertain significance. Last evaluated: 2022-04-25. Review status: criteria provided, single submitter. Criteria: Invitae Variant Classification Sherloc (09022015). Collection method: clinical testing. Allele origin: germline.
Comment: In summary, the available evidence is currently insufficient to determine the role of this variant in disease. Therefore, it has been classified as a Variant of Uncertain Significance. Advanced modeling of protein sequence and biophysical properties (such as structural, functional, and spatial information, amino acid conservation, physicochemical variation, residue mobility, and thermodynamic stability) performed at Invitae indicates that this missense variant is expected to disrupt CACNA1B protein function. This variant has not been reported in the literature in individuals affected with CACNA1B-related conditions. This variant is not present in population databases (gnomAD no frequency). This sequence change replaces valine, which is neutral and non-polar, with leucine, which is neutral and non-polar, at codon 203 of the CACNA1B protein (p.Val203Leu).